The following is an entry in ClinVar:

NM_002184.4(IL6ST):c.1882G>A (p.Ala628Thr)

Gene: IL6ST (interleukin 6 cytokine family signal transducer; minus strand). Cytogenetic location: 5q11.2.
Variant type: single nucleotide variant.
Coding change: c.1882G>A on transcript NM_002184.4 (MANE Select); coding-DNA position 1882, G replaced by A.
Protein change: p.Ala628Thr; replaces alanine 628 with threonine.
Molecular consequence: missense variant. On other transcripts: 3 prime UTR variant (1), non-coding transcript variant (2).
Genome position (GRCh38, 1-based): chr5:55,947,548, C>T on the plus strand (G>A on the coding strand, the complement: IL6ST is on the minus strand). VCF-style: chr5-55947548-C-T. GRCh37 (hg19) VCF-style: chr5-55243376-C-T.
Other names: c.1699G>A, p.Ala567Thr (NM_001190981.2); c.1780G>A, p.Ala594Thr (NM_001364275.2); c.1672G>A, p.Ala558Thr (NM_001364276.2); c.1015G>A, p.Ala339Thr (NM_001364277.2); c.979G>A, p.Ala327Thr (NM_001364278.2); c.886G>A, p.Ala296Thr (NM_001364279.2); c.*809G>A (NM_175767.3); short protein forms A339T, A567T, A558T, A327T, A628T, A296T, A594T.
Identifiers: ClinVar variation 1511193 (VCV001511193.8), dbSNP rs141642359, ClinGen allele CA3271273.

ClinVar aggregate classification (germline): Uncertain significance (1 of 4 stars; one submission).

Allele frequency attached by ClinVar (database versions not stated): ExAC 0.00001; gnomAD 0.00001; gnomAD exomes 0.00001 and 0.00003; ESP Exome Variant Server 0.00008.
gnomAD v4.1: 45 of 1,497,516 alleles (0.003%); highest among the groups gnomAD compares: Non-Finnish European, 0.0041%; no homozygotes.

Submission:

Labcorp Genetics (formerly Invitae), Labcorp
Classification: Uncertain significance. Last evaluated: 2025-01-06. Review status: criteria provided, single submitter. Criteria: Invitae Variant Classification Sherloc (09022015). Collection method: clinical testing. Allele origin: germline.
Comment: This sequence change replaces alanine, which is neutral and non-polar, with threonine, which is neutral and polar, at codon 628 of the IL6ST protein (p.Ala628Thr). This variant is present in population databases (rs141642359, gnomAD 0.0009%). This variant has not been reported in the literature in individuals affected with IL6ST-related conditions. ClinVar contains an entry for this variant (Variation ID: 1511193). An algorithm developed to predict the effect of missense changes on protein structure and function (PolyPhen-2) suggests that this variant is likely to be tolerated. In summary, the available evidence is currently insufficient to determine the role of this variant in disease. Therefore, it has been classified as a Variant of Uncertain Significance.